The following is an entry in ClinVar:

ClinVar aggregate classification (germline): Uncertain significance. Review status: criteria provided, multiple submitters, no conflicts (2 of 4 stars). 2 submissions from 2 submitters: Uncertain significance (2). Last evaluated 2022-06-09.

Conditions:
Fetal akinesia deformation sequence 1 (FADS1). Also called: Fetal akinesia sequence; Pena-Shokeir syndrome type I. Identifiers: Orphanet 994, MedGen C1276035, MONDO:0100101, OMIM 208150, HP:0001989.
Congenital myasthenic syndrome 10. Also called: Myasthenia, limb-girdle, familial. Identifiers: Orphanet 590, MedGen C1850792, MONDO:0009690, OMIM 254300.
Inborn genetic diseases. Identifiers: MedGen C0950123, MeSH D030342.

Allele frequency attached by ClinVar (database versions not stated): gnomAD 0.00002 and 0.00003; TOPMed 0.00003; ExAC 0.00005.
gnomAD v4.1: 45 of 1,607,502 alleles (0.0028%); highest among the groups gnomAD compares: Middle Eastern, 0.016%; no homozygotes.

Submissions (2):

Labcorp Genetics (formerly Invitae), Labcorp
Classification: Uncertain significance for Congenital myasthenic syndrome 10; Fetal akinesia deformation sequence 1. Last evaluated: 2022-06-09. Review status: criteria provided, single submitter. Criteria: Invitae Variant Classification Sherloc (09022015). Collection method: clinical testing. Allele origin: germline.
Comment: This sequence change replaces glutamic acid, which is acidic and polar, with lysine, which is basic and polar, at codon 394 of the DOK7 protein (p.Glu394Lys). This variant is present in population databases (rs751691265, gnomAD 0.01%). This variant has not been reported in the literature in individuals affected with DOK7-related conditions. ClinVar contains an entry for this variant (Variation ID: 534115). Algorithms developed to predict the effect of missense changes on protein structure and function are either unavailable or do not agree on the potential impact of this missense change (SIFT: "Deleterious"; PolyPhen-2: "Probably Damaging"; Align-GVGD: "Class C0"). In summary, the available evidence is currently insufficient to determine the role of this variant in disease. Therefore, it has been classified as a Variant of Uncertain Significance.

Ambry Genetics
Classification: Uncertain significance for Inborn genetic diseases. Last evaluated: 2021-08-13. Review status: criteria provided, single submitter. Criteria: Ambry Variant Classification Scheme 2023. Collection method: clinical testing. Allele origin: germline.

NM_173660.5(DOK7):c.1180G>A (p.Glu394Lys)

Gene: DOK7 (docking protein 7; plus strand). Cytogenetic location: 4p16.3.
Variant type: single nucleotide variant.
Coding change: c.1180G>A on transcript NM_173660.5 (MANE Select); coding-DNA position 1180, G replaced by A.
Protein change: p.Glu394Lys; replaces glutamic acid 394 with lysine.
Molecular consequence: missense variant. On other transcripts: 3 prime UTR variant (1).
Genome position (GRCh38, 1-based): chr4:3,493,166, G>A. VCF-style: chr4-3493166-G-A. GRCh37 (hg19) VCF-style: chr4-3494893-G-A.
Other names: c.*401G>A (NM_001164673.2); c.250G>A, p.Glu84Lys (NM_001256896.2); c.1180G>A, p.Glu394Lys (NM_001301071.2); c.748G>A, p.Glu250Lys (NM_001363811.2); short protein forms E394K, E250K, E84K.
Identifiers: ClinVar variation 534115 (VCV000534115.6), dbSNP rs751691265, ClinGen allele CA2829401.